The following is an entry in ClinVar:

ClinVar aggregate classification (germline): Conflicting classifications of pathogenicity. Review status: criteria provided, conflicting classifications (1 of 4 stars). 2 submissions from 2 submitters: Uncertain significance (1); Likely benign (1). Last evaluated 2026-07-01.

Conditions:
Inborn genetic diseases. Identifiers: MedGen C0950123, MeSH D030342.

Allele frequency attached by ClinVar (database versions not stated): ExAC 0.00001; gnomAD 0.00004; gnomAD exomes 0.00005; TOPMed 0.00007; ESP Exome Variant Server 0.00008.
gnomAD v4.1: 87 of 1,596,472 alleles (0.0054%); highest among the groups gnomAD compares: Non-Finnish European, 0.0068%; no homozygotes.

Submissions (2):

CeGaT Center for Human Genetics Tuebingen
Classification: Likely benign. Last evaluated: 2026-07-01. Review status: criteria provided, single submitter. Criteria: CeGaT Center For Human Genetics Tuebingen Variant Classification Criteria Version 2. Collection method: clinical testing. Allele origin: germline. Affected: yes. Observed: 3 variant alleles.
Comment: MYT1L: BP4

Ambry Genetics
Classification: Uncertain significance for Inborn genetic diseases. Last evaluated: 2023-09-29. Review status: criteria provided, single submitter. Criteria: Ambry Variant Classification Scheme 2023. Collection method: clinical testing. Allele origin: germline.

NM_001303052.2(MYT1L):c.529A>G (p.Asn177Asp)

Gene: MYT1L (myelin transcription factor 1 like; minus strand). Cytogenetic location: 2p25.3.
Variant type: single nucleotide variant.
Coding change: c.529A>G on transcript NM_001303052.2 (MANE Select); coding-DNA position 529, A replaced by G.
Protein change: p.Asn177Asp; replaces asparagine 177 with aspartic acid.
Molecular consequence: missense variant.
Genome position (GRCh38, 1-based): chr2:1,923,240, T>C on the plus strand (A>G on the coding strand, the complement: MYT1L is on the minus strand). VCF-style: chr2-1923240-T-C. GRCh37 (hg19) VCF-style: chr2-1927012-T-C.
Other names: c.529A>G, p.Asn177Asp (NM_001329844.2, NM_001329845.1, NM_001329846.3 and 6 more transcripts); short protein forms N177D.
Identifiers: ClinVar variation 3170190 (VCV003170190.11), dbSNP rs370835373, ClinGen allele CA1514378.